The following is an entry in ClinVar:

NM_001378454.1(ALMS1):c.12227G>A (p.Arg4076Gln)

Genes: ALMS1 (ALMS1 centrosome and basal body associated protein; plus strand), LOC126806252 (BRD4-independent group 4 enhancer GRCh37_chr2:73828496-73829695; plus strand). Cytogenetic location: 2p13.1.
Variant type: single nucleotide variant.
Coding change: c.12227G>A on transcript NM_001378454.1 (MANE Select); coding-DNA position 12227, G replaced by A.
Protein change: p.Arg4076Gln; replaces arginine 4076 with glutamine.
Molecular consequence: missense variant.
Genome position (GRCh38, 1-based): chr2:73,602,297, G>A. VCF-style: chr2-73602297-G-A. GRCh37 (hg19) VCF-style: chr2-73829424-G-A.
Other names: c.12230G>A, p.Arg4077Gln (NM_015120.4); short protein forms R4077Q, R4076Q.
Identifiers: ClinVar variation 434135 (VCV000434135.12), dbSNP rs200814417, ClinGen allele CA1715487.

ClinVar aggregate classification (germline): Uncertain significance. Review status: criteria provided, multiple submitters, no conflicts (2 of 4 stars). 5 submissions from 5 submitters: Uncertain significance (4). 1 of the submissions does not count toward it. Last evaluated 2024-06-06.

Conditions:
Alstrom syndrome (ALMS). Identifiers: Orphanet 64, MedGen C0268425, MONDO:0008763, OMIM 203800.

Allele frequency attached by ClinVar (database versions not stated): gnomAD 0.00002 and 0.00003; gnomAD exomes 0.00002 and 0.00003; TOPMed 0.00002; ExAC 0.00005; ESP Exome Variant Server 0.00008.
gnomAD v4.1: 28 of 1,614,202 alleles (0.0017%); highest among the groups gnomAD compares: South Asian, 0.0022%; no homozygotes.

Submissions (5):

GeneDx
Classification: Uncertain significance. Last evaluated: 2024-06-06. Review status: criteria provided, single submitter. Criteria: GeneDx Variant Classification Process June 2021. Collection method: clinical testing. Allele origin: germline. Affected: yes.
Comment: Not observed at significant frequency in large population cohorts (gnomAD); In silico analysis supports that this missense variant has a deleterious effect on protein structure/function; Has not been previously published as pathogenic or benign to our knowledge

Blueprint Genetics
Classification: Uncertain significance. Last evaluated: 2023-03-08. Review status: criteria provided, single submitter. Criteria: ACMG Guidelines, 2015. Collection method: clinical testing. Allele origin: germline.

Labcorp Genetics (formerly Invitae), Labcorp
Classification: Uncertain significance for Alstrom syndrome. Last evaluated: 2022-06-26. Review status: criteria provided, single submitter. Criteria: Invitae Variant Classification Sherloc (09022015). Collection method: clinical testing. Allele origin: germline.
Comment: This sequence change replaces arginine, which is basic and polar, with glutamine, which is neutral and polar, at codon 4077 of the ALMS1 protein (p.Arg4077Gln). This variant is present in population databases (rs200814417, gnomAD 0.004%). This variant has not been reported in the literature in individuals affected with ALMS1-related conditions. ClinVar contains an entry for this variant (Variation ID: 434135). Experimental studies and prediction algorithms are not available or were not evaluated, and the functional significance of this variant is currently unknown. In summary, the available evidence is currently insufficient to determine the role of this variant in disease. Therefore, it has been classified as a Variant of Uncertain Significance.

Genetic Services Laboratory, University of Chicago
Classification: Uncertain significance. Last evaluated: 2016-05-02. Review status: criteria provided, single submitter. Criteria: ACMG Guidelines, 2015. Collection method: clinical testing. Allele origin: germline. Affected: no.

Counsyl
Classification: Uncertain significance for Alstrom syndrome. Last evaluated: 2017-01-30. Review status: no assertion criteria provided. Collection method: clinical testing. Allele origin: unknown. Not counted in ClinVar's aggregate classification.